The following is an entry in ClinVar:

NM_032043.3(BRIP1):c.3563A>G (p.Glu1188Gly)

Gene: BRIP1 (BRCA1 interacting DNA helicase 1; minus strand). Cytogenetic location: 17q23.2.
Variant type: single nucleotide variant.
Coding change: c.3563A>G on transcript NM_032043.3 (MANE Select); coding-DNA position 3563, A replaced by G.
Protein change: p.Glu1188Gly; replaces glutamic acid 1188 with glycine.
Molecular consequence: missense variant.
Genome position (GRCh38, 1-based): chr17:61,683,483, T>C on the plus strand (A>G on the coding strand, the complement: BRIP1 is on the minus strand). VCF-style: chr17-61683483-T-C. GRCh37 (hg19) VCF-style: chr17-59760844-T-C.
Other names: short protein forms E1188G.
Identifiers: ClinVar variation 859799 (VCV000859799.13), dbSNP rs2061301893, ClinGen allele CA400478244.

ClinVar aggregate classification (germline): Uncertain significance. Review status: criteria provided, multiple submitters, no conflicts (2 of 4 stars). 2 submissions from 2 submitters: Uncertain significance (2). Last evaluated 2021-01-13.

Conditions:
Hereditary cancer-predisposing syndrome. Also called: Hereditary neoplastic syndrome; Tumor predisposition; Neoplastic Syndromes, Hereditary; Hereditary Cancer Syndrome. Identifiers: Orphanet 140162, MedGen C0027672, MeSH D009386, MONDO:0015356.
Fanconi anemia complementation group J. Also called: BRIP1-Related Fanconi Anemia. Identifiers: Orphanet 84, MedGen C1836860, MONDO:0012187, OMIM 609054.
Familial cancer of breast. Also called: hereditary breast carcinoma; BREAST CANCER, FAMILIAL; Hereditary breast cancer. Identifiers: Orphanet 227535, MedGen C0346153, MONDO:0016419, OMIM 114480. Disease mechanism: loss of function.

Submissions (2):

Ambry Genetics
Classification: Uncertain significance for Hereditary cancer-predisposing syndrome. Last evaluated: 2021-01-13. Review status: criteria provided, single submitter. Criteria: Ambry Variant Classification Scheme 2023. Collection method: clinical testing. Allele origin: germline.
Comment: The p.E1188G variant (also known as c.3563A>G), located in coding exon 19 of the BRIP1 gene, results from an A to G substitution at nucleotide position 3563. The glutamic acid at codon 1188 is replaced by glycine, an amino acid with similar properties. This amino acid position is not well conserved in available vertebrate species. In addition, this alteration is predicted to be tolerated by in silico analysis. Since supporting evidence is limited at this time, the clinical significance of this alteration remains unclear.

Labcorp Genetics (formerly Invitae), Labcorp
Classification: Uncertain significance for Familial cancer of breast; Fanconi anemia complementation group J. Last evaluated: 2020-02-27. Review status: criteria provided, single submitter. Criteria: Invitae Variant Classification Sherloc (09022015). Collection method: clinical testing. Allele origin: germline.
Comment: This sequence change replaces glutamic acid with glycine at codon 1188 of the BRIP1 protein (p.Glu1188Gly). The glutamic acid residue is weakly conserved and there is a moderate physicochemical difference between glutamic acid and glycine. This variant is not present in population databases (ExAC no frequency). This variant has not been reported in the literature in individuals with BRIP1-related conditions. Algorithms developed to predict the effect of missense changes on protein structure and function (SIFT, PolyPhen-2, Align-GVGD) all suggest that this variant is likely to be tolerated, but these predictions have not been confirmed by published functional studies and their clinical significance is uncertain. In summary, the available evidence is currently insufficient to determine the role of this variant in disease. Therefore, it has been classified as a Variant of Uncertain Significance.